The following is an entry in ClinVar:

ClinVar aggregate classification (germline): Likely benign (1 of 4 stars; one submission).

Conditions:
Intellectual developmental disorder, autosomal dominant 43. Also called: Intellectual disability, autosomal dominant 43. Identifiers: MedGen C4707429, MONDO:0014858, OMIM 616977.

Submission:

Centre for Medical Genetics,  Mumbai
Classification: Likely benign for Intellectual developmental disorder, autosomal dominant 43. Last evaluated: 2026-04-27. Review status: criteria provided, single submitter. Criteria: ACMG Guidelines, 2015. Collection method: provider interpretation. Allele origin: germline. Inheritance: Autosomal dominant inheritance. Affected: no. Observed: 1 variant allele, 1 heterozygote.
Comment: The variant satisfies PM2 criteria - extremely low frequency in gnomAD population databases. The variant satisfies BP4 criteria - for a missense or a splice region variant, computational prediction tools unanimously support a benign effect on the gene. However, the variant satisfies BS2 criteria - present in heterozygous state in an individual that clinically does not have Intellectual developmental disorder, autosomal dominant 43.

Literature cited by the submitters: PubMed 23020937.

NM_006734.4(HIVEP2):c.788G>C (p.Gly263Ala)

Gene: HIVEP2 (HIVEP zinc finger 2; minus strand). Cytogenetic location: 6q24.2.
Variant type: single nucleotide variant.
Coding change: c.788G>C on transcript NM_006734.4 (MANE Select); coding-DNA position 788, G replaced by C.
Protein change: p.Gly263Ala; replaces glycine 263 with alanine.
Molecular consequence: missense variant.
Genome position (GRCh38, 1-based): chr6:142,773,951, C>G on the plus strand (G>C on the coding strand, the complement: HIVEP2 is on the minus strand). VCF-style: chr6-142773951-C-G. GRCh37 (hg19) VCF-style: chr6-143095088-C-G.
Other names: c.788G>C, p.Gly263Ala (NM_001438449.1, NM_001438450.1, NM_001438451.1); short protein forms G263A.
Identifiers: ClinVar variation 4852265 (VCV004852265.1).